The following is an entry in ClinVar:

NM_000202.8(IDS):c.1350T>A (p.Asp450Glu)

Gene: IDS (iduronate 2-sulfatase; minus strand). Cytogenetic location: Xq28.
Variant type: single nucleotide variant.
Coding change: c.1350T>A on transcript NM_000202.8 (MANE Select); coding-DNA position 1350, T replaced by A.
Protein change: p.Asp450Glu; replaces aspartic acid 450 with glutamic acid.
Molecular consequence: missense variant.
Genome position (GRCh38, 1-based): chrX:149,483,049, A>T on the plus strand (T>A on the coding strand, the complement: IDS is on the minus strand). VCF-style: chrX-149483049-A-T. GRCh37 (hg19) VCF-style: chrX-148564580-A-T.
Other names: c.1080T>A, p.Asp360Glu (NM_001166550.4); short protein forms D360E, D450E.
Identifiers: ClinVar variation 1485811 (VCV001485811.6), dbSNP rs2123994624, ClinGen allele CA414518275.

ClinVar aggregate classification (germline): Uncertain significance (1 of 4 stars; one submission).

Conditions:
Mucopolysaccharidosis, MPS-II (MPS2). Also called: IDURONATE 2-SULFATASE DEFICIENCY; Mucopolysaccharidosis Type II; Attenuated MPS (subtype; formerly known as mild MPS II); Severe MPS II; I2S deficiency; MPS 2. Identifiers: Orphanet 580, Orphanet 79388, MedGen C0026705, MONDO:0010674, OMIM 309900.

Allele frequency attached by ClinVar (database versions not stated): gnomAD exomes below 0.00001.
gnomAD v4.1: 1 of 1,207,781 alleles (0.000083%); highest among the groups gnomAD compares: Non-Finnish European, 0.00011%; no homozygotes.

Submission:

Labcorp Genetics (formerly Invitae), Labcorp
Classification: Uncertain significance for Mucopolysaccharidosis, MPS-II. Last evaluated: 2024-11-30. Review status: criteria provided, single submitter. Criteria: Invitae Variant Classification Sherloc (09022015). Collection method: clinical testing. Allele origin: germline.
Comment: This sequence change replaces aspartic acid, which is acidic and polar, with glutamic acid, which is acidic and polar, at codon 450 of the IDS protein (p.Asp450Glu). This variant is not present in population databases (gnomAD no frequency). This variant has not been reported in the literature in individuals affected with IDS-related conditions. ClinVar contains an entry for this variant (Variation ID: 1485811). Invitae Evidence Modeling of protein sequence and biophysical properties (such as structural, functional, and spatial information, amino acid conservation, physicochemical variation, residue mobility, and thermodynamic stability) indicates that this missense variant is not expected to disrupt IDS protein function with a negative predictive value of 95%. In summary, the available evidence is currently insufficient to determine the role of this variant in disease. Therefore, it has been classified as a Variant of Uncertain Significance.